The following is an entry in ClinVar:

NM_014028.4(OSTM1):c.255_256delinsC (p.Glu86fs)

Gene: OSTM1 (osteoclastogenesis associated transmembrane protein 1; minus strand). Cytogenetic location: 6q21.
Variant type: Indel.
Coding change: c.255_256delinsC on transcript NM_014028.4 (MANE Select); coding-DNA positions 255 to 256, GG replaced by C.
Protein change: p.Glu86fs; shifts the reading frame from glutamic acid 86.
Molecular consequence: frameshift variant.
Genome position (GRCh38, 1-based): chr6:108,074,396-108,074,397, CC replaced by G on the plus strand (GG replaced by C on the coding strand, the reverse complement: OSTM1 is on the minus strand). VCF-style: chr6-108074396-CC-G. GRCh37 (hg19) VCF-style: chr6-108395600-CC-G.
Other names: short protein forms E86fs.
Identifiers: ClinVar variation 2501201 (VCV002501201.1), dbSNP rs2482241906, ClinGen allele CA2580617317.

ClinVar aggregate classification (germline): Likely pathogenic (1 of 4 stars; one submission).

Conditions:
Osteopetrosis. Identifiers: Orphanet 2781, MedGen C0029454, MONDO:0017198, HP:0011002.

Submission:

Women's Health and Genetics/Laboratory Corporation of America, LabCorp
Classification: Likely pathogenic for Osteopetrosis. Last evaluated: 2023-03-24. Review status: criteria provided, single submitter. Criteria: LabCorp Variant Classification Summary - May 2015. Collection method: clinical testing. Allele origin: germline.
Comment: Variant summary: OSTM1 c.255_256delinsC (p.Glu86SerfsX13) results in a premature termination codon, predicted to cause a truncation of the encoded protein or absence of the protein due to nonsense mediated decay, which are commonly known mechanisms for disease. Truncations both upstream and downstream of this position have been classified as pathogenic in ClinVar and reported in association with Osteopetrosis in HGMD. The variant was absent in 176860 control chromosomes. To our knowledge, no occurrence of c.255_256delinsC in individuals affected with Osteopetrosis and no experimental evidence demonstrating its impact on protein function have been reported. No clinical diagnostic laboratories have submitted clinical-significance assessments for this variant to ClinVar after 2014. Based on the evidence outlined above, the variant was classified as likely pathogenic.